The following is an entry in ClinVar:

ClinVar aggregate classification (germline): Conflicting classifications of pathogenicity. Review status: criteria provided, conflicting classifications (1 of 4 stars). 2 submissions from 2 submitters: Uncertain significance (1); Likely benign (1). Last evaluated 2025-12-10.

Conditions:
Cardiovascular phenotype. Identifiers: MedGen CN230736.
Long QT syndrome (LQTS). Identifiers: MedGen C0023976, MeSH D008133, MONDO:0002442. Disease mechanism: loss of function. Inheritance: Various modes of inheritance.

Allele frequency attached by ClinVar (database versions not stated): gnomAD exomes 0.00002; ExAC 0.00003; TOPMed 0.00003; gnomAD 0.00004; 1000 Genomes Project 30x 0.00016; 1000 Genomes Project 0.00020.
gnomAD v4.1: 14 of 1,614,026 alleles (0.00087%); highest among the groups gnomAD compares: African/African-American, 0.013%; no homozygotes.

Submissions (2):

Labcorp Genetics (formerly Invitae), Labcorp
Classification: Uncertain significance for Long QT syndrome. Last evaluated: 2025-12-10. Review status: criteria provided, single submitter. Criteria: Invitae Variant Classification Sherloc (09022015). Collection method: clinical testing. Allele origin: germline.
Comment: This sequence change replaces methionine, which is neutral and non-polar, with valine, which is neutral and non-polar, at codon 2906 of the ANK2 protein (p.Met2906Val). This variant is present in population databases (rs533349333, gnomAD 0.01%). This variant has not been reported in the literature in individuals affected with ANK2-related conditions. ClinVar contains an entry for this variant (Variation ID: 1059923). An algorithm developed to predict the effect of missense changes on protein structure and function outputs the following: PolyPhen-2: "Benign". The valine amino acid residue is found in multiple mammalian species, which suggests that this missense change does not adversely affect protein function. In summary, the available evidence is currently insufficient to determine the role of this variant in disease. Therefore, it has been classified as a Variant of Uncertain Significance.

Ambry Genetics
Classification: Likely benign for Cardiovascular phenotype. Last evaluated: 2020-07-17. Review status: criteria provided, single submitter. Criteria: Ambry Variant Classification Scheme 2023. Collection method: clinical testing. Allele origin: germline.

NM_001148.6(ANK2):c.8716A>G (p.Met2906Val)

Gene: ANK2 (ankyrin 2; plus strand). Cytogenetic location: 4q26.
Variant type: single nucleotide variant.
Coding change: c.8716A>G on transcript NM_001148.6 (MANE Select); coding-DNA position 8716, A replaced by G.
Protein change: p.Met2906Val; replaces methionine 2906 with valine.
Molecular consequence: missense variant. On other transcripts: intron variant (68).
Genome position (GRCh38, 1-based): chr4:113,357,334, A>G. VCF-style: chr4-113357334-A-G. GRCh37 (hg19) VCF-style: chr4-114278490-A-G.
Other names: c.8482A>G, p.Met2828Val (NM_001386142.1); c.5116A>G, p.Met1706Val (NM_001386166.1); c.8857A>G, p.Met2953Val (NM_001386174.1); c.8833A>G, p.Met2945Val (NM_001386175.1); c.4412-3489A>G (NM_001386186.2, NM_001386148.2); c.4214-3489A>G (NM_001354269.3); c.4292-3489A>G (NM_001386187.2); c.4253-3489A>G (NM_001386147.1); and 35 more; short protein forms M1706V, M2828V, M2906V, M2945V, M2953V.
Identifiers: ClinVar variation 1059923 (VCV001059923.7), dbSNP rs533349333, ClinGen allele CA3051817.